The following is an entry in ClinVar:

NM_006899.5(IDH3B):c.14G>A (p.Ser5Asn)

Gene: IDH3B (isocitrate dehydrogenase (NAD(+)) 3 non-catalytic subunit beta; minus strand). Cytogenetic location: 20p13.
Variant type: single nucleotide variant.
Coding change: c.14G>A on transcript NM_006899.5 (MANE Select); coding-DNA position 14, G replaced by A.
Protein change: p.Ser5Asn; replaces serine 5 with asparagine.
Molecular consequence: missense variant. On other transcripts: non-coding transcript variant (1).
Genome position (GRCh38, 1-based): chr20:2,664,175, C>T on the plus strand (G>A on the coding strand, the complement: IDH3B is on the minus strand). VCF-style: chr20-2664175-C-T. GRCh37 (hg19) VCF-style: chr20-2644821-C-T.
Other names: c.14G>A (NM_006899.2); c.14G>A, p.Ser5Asn (NM_001258384.3, NM_001330763.2, NM_174855.4); short protein forms S5N.
Identifiers: ClinVar variation 2090924 (VCV002090924.5), dbSNP rs1236916368, ClinGen allele CA408041328.
Genomic context (GRCh38, chr20:2,664,175, plus strand): 5'-CTTCGCCCGCCCCTGCCCGACATGTCCCGGGGCCTCACTCGGGTCAGCCAGCGGACTCCG[C>T]TCAATGCCGCCATGTTTCCCGCAGGAAGTCGCGTGGGAAGTGACGCCTGAAGCTGGCGCG-3'
Protein context (NP_008830.2, residues 1-15): MAAL[Ser5Asn]GVRWLTRALV

ClinVar aggregate classification (germline): Uncertain significance. Review status: criteria provided, multiple submitters, no conflicts (2 of 4 stars). 2 submissions from 2 submitters: Uncertain significance (2). Last evaluated 2024-01-29.

Allele frequency attached by ClinVar (database versions not stated): TOPMed 0.00001.

Submissions (2):

Ambry Genetics
Classification: Uncertain significance. Last evaluated: 2024-01-29. Review status: criteria provided, single submitter. Criteria: Ambry Variant Classification Scheme 2023. Collection method: clinical testing. Allele origin: germline.

Labcorp Genetics (formerly Invitae), Labcorp
Classification: Uncertain significance. Last evaluated: 2022-07-19. Review status: criteria provided, single submitter. Criteria: Invitae Variant Classification Sherloc (09022015). Collection method: clinical testing. Allele origin: germline.
Comment: In summary, the available evidence is currently insufficient to determine the role of this variant in disease. Therefore, it has been classified as a Variant of Uncertain Significance. Algorithms developed to predict the effect of missense changes on protein structure and function are either unavailable or do not agree on the potential impact of this missense change (SIFT: "Not Available"; PolyPhen-2: "Benign"; Align-GVGD: "Not Available"). This variant has not been reported in the literature in individuals affected with IDH3B-related conditions. This variant is present in population databases (no rsID available, gnomAD 0.003%). This sequence change replaces serine, which is neutral and polar, with asparagine, which is neutral and polar, at codon 5 of the IDH3B protein (p.Ser5Asn).